The following is an entry in ClinVar:

NM_000292.3(PHKA2):c.1060G>A (p.Ala354Thr)

Gene: PHKA2 (phosphorylase kinase regulatory subunit alpha 2; minus strand). Cytogenetic location: Xp22.13.
Variant type: single nucleotide variant.
Coding change: c.1060G>A on transcript NM_000292.3 (MANE Select); coding-DNA position 1060, G replaced by A.
Protein change: p.Ala354Thr; replaces alanine 354 with threonine.
Molecular consequence: missense variant.
Genome position (GRCh38, 1-based): chrX:18,936,132, C>T on the plus strand (G>A on the coding strand, the complement: PHKA2 is on the minus strand). VCF-style: chrX-18936132-C-T. GRCh37 (hg19) VCF-style: chrX-18954250-C-T.
Other names: c.1060G>A (NM_000292.2); short protein forms A354T.
Identifiers: ClinVar variation 1053560 (VCV001053560.10), dbSNP rs746875668, ClinGen allele CA10361986.
Genomic context (GRCh38, chrX:18,936,132, plus strand): 5'-CGTAGAGTTCAGGCACCAGGCGGATCCCATTCTTGCCTCTGATGAGTATTCCCTCCAGGG[C>T]CTCTCGGTATTCTTGGACCTGGAAAACAGCCCCATCATCCATGGCAGGAAGGAGGTCTGG-3'
Protein context (NP_000283.1, residues 344-364): DAVQVQEYRE[Ala354Thr]LEGILIRGKN

ClinVar aggregate classification (germline): Conflicting classifications of pathogenicity. Review status: criteria provided, conflicting classifications (1 of 4 stars). 2 submissions from 2 submitters: Uncertain significance (1); Likely benign (1). Last evaluated 2025-04-02.

Conditions:
Inborn genetic diseases. Identifiers: MedGen C0950123, MeSH D030342.
Glycogen storage disease IXa1. Also called: GLYCOGEN STORAGE DISEASE VIII; GSD VIII; LIVER GLYCOGENOSIS, X-LINKED, TYPE I; Glycogen storage disease 8. Identifiers: Orphanet 264580, MedGen C3694531, MONDO:0010598, OMIM 306000.

Allele frequency attached by ClinVar (database versions not stated): gnomAD 0.00001; gnomAD exomes 0.00005 and 0.00007; ExAC 0.00007.

Submissions (2):

Ambry Genetics
Classification: Likely benign for Inborn genetic diseases. Last evaluated: 2025-04-02. Review status: criteria provided, single submitter. Criteria: Ambry Variant Classification Scheme 2023. Collection method: clinical testing. Allele origin: germline.

Labcorp Genetics (formerly Invitae), Labcorp
Classification: Uncertain significance for Glycogen storage disease IXa1. Last evaluated: 2020-03-04. Review status: criteria provided, single submitter. Criteria: Invitae Variant Classification Sherloc (09022015). Collection method: clinical testing. Allele origin: germline.
Comment: This sequence change replaces alanine with threonine at codon 354 of the PHKA2 protein (p.Ala354Thr). The alanine residue is highly conserved and there is a small physicochemical difference between alanine and threonine. In summary, the available evidence is currently insufficient to determine the role of this variant in disease. Therefore, it has been classified as a Variant of Uncertain Significance. Algorithms developed to predict the effect of missense changes on protein structure and function are either unavailable or do not agree on the potential impact of this missense change (SIFT: "Tolerated"; PolyPhen-2: "Probably Damaging"; Align-GVGD: "Class C0"). This variant has not been reported in the literature in individuals with PHKA2-related conditions. This variant is present in population databases (rs746875668, ExAC 0.06%).